The following is an entry in ClinVar:

ClinVar aggregate classification (germline): Uncertain significance. Review status: criteria provided, multiple submitters, no conflicts (2 of 4 stars). 2 submissions from 2 submitters: Uncertain significance (2). Last evaluated 2024-10-22.

Conditions:
Inborn genetic diseases. Identifiers: MedGen C0950123, MeSH D030342.

Allele frequency attached by ClinVar (database versions not stated): ESP Exome Variant Server 0.00008; gnomAD 0.00009; TOPMed 0.00009; 1000 Genomes Project 0.00020; 1000 Genomes Project 30x 0.00031.
gnomAD v4.1: 34 of 1,614,070 alleles (0.0021%); highest among the groups gnomAD compares: African/African-American, 0.043%; no homozygotes.

Submissions (2):

Labcorp Genetics (formerly Invitae), Labcorp
Classification: Uncertain significance. Last evaluated: 2024-10-22. Review status: criteria provided, single submitter. Criteria: Invitae Variant Classification Sherloc (09022015). Collection method: clinical testing. Allele origin: germline.
Comment: This sequence change replaces proline, which is neutral and non-polar, with serine, which is neutral and polar, at codon 486 of the RIPK1 protein (p.Pro486Ser). This variant is present in population databases (rs202192603, gnomAD 0.06%). This variant has not been reported in the literature in individuals affected with RIPK1-related conditions. ClinVar contains an entry for this variant (Variation ID: 1059816). An algorithm developed to predict the effect of missense changes on protein structure and function outputs the following: PolyPhen-2: "Benign". The serine amino acid residue is found in multiple mammalian species, which suggests that this missense change does not adversely affect protein function. In summary, the available evidence is currently insufficient to determine the role of this variant in disease. Therefore, it has been classified as a Variant of Uncertain Significance.

Ambry Genetics
Classification: Uncertain significance for Inborn genetic diseases. Last evaluated: 2022-12-28. Review status: criteria provided, single submitter. Criteria: Ambry Variant Classification Scheme 2023. Collection method: clinical testing. Allele origin: germline.

NM_001354930.2(RIPK1):c.1456C>T (p.Pro486Ser)

Gene: RIPK1 (receptor interacting serine/threonine kinase 1; plus strand). Cytogenetic location: 6p25.2.
Variant type: single nucleotide variant.
Coding change: c.1456C>T on transcript NM_001354930.2 (MANE Select); coding-DNA position 1456, C replaced by T.
Protein change: p.Pro486Ser; replaces proline 486 with serine.
Molecular consequence: missense variant.
Genome position (GRCh38, 1-based): chr6:3,105,931, C>T. VCF-style: chr6-3105931-C-T. GRCh37 (hg19) VCF-style: chr6-3106165-C-T.
Other names: c.967C>T, p.Pro323Ser (NM_001317061.3, NM_001354932.2, NM_001354933.2 and 1 more transcripts); c.1318C>T, p.Pro440Ser (NM_001354931.2); c.1456C>T, p.Pro486Ser (NM_003804.6); c.1456C>T (NM_003804.3); short protein forms P323S, P440S, P486S.
Identifiers: ClinVar variation 1059816 (VCV001059816.10), dbSNP rs202192603, ClinGen allele CA3618426.
Genomic context (GRCh38, chr6:3,105,931, plus strand): 5'-AATGGATTATATAGCTCACATGGCTTTGGAACAAGACCACTGGATCCAGGAACAGCAGGT[C>T]CCAGAGTTTGGTACAGGCCAATTCCAAGTCATATGCCTAGTCTGCATAATATCCCAGTGC-3'
Protein context (NP_001341859.1, residues 476-496): TRPLDPGTAG[Pro486Ser]RVWYRPIPSH